The following is an entry in ClinVar:

ClinVar aggregate classification (germline): Uncertain significance. Review status: criteria provided, multiple submitters, no conflicts (2 of 4 stars). 2 submissions from 2 submitters: Uncertain significance (2). Last evaluated 2023-08-15.

Conditions:
Malignant hyperthermia, susceptibility to, 1 (MHS1). Also called: Malignant hyperthermia suceptibility 1; Anesthesia related hyperthermia; Malignant hyperpyrexia; Fulminating hyperpyrexia; Pharmacogenic myopathy; RYR1-Related Malignant Hyperthermia Susceptibility. Identifiers: Orphanet 423, MedGen C2930980, MONDO:0007783, OMIM 145600.

Allele frequency attached by ClinVar (database versions not stated): gnomAD exomes below 0.00001.
gnomAD v4.1: 3 of 1,613,970 alleles (0.00019%); highest among the groups gnomAD compares: Admixed American, 0.0017%; no homozygotes.

Submissions (2):

All of Us Research Program, National Institutes of Health
Classification: Uncertain significance for Malignant hyperthermia, susceptibility to, 1. Last evaluated: 2023-08-15. Review status: criteria provided, single submitter. Criteria: ACMG Guidelines, 2015. Collection method: clinical testing. Allele origin: germline. Inheritance: Autosomal dominant inheritance. Observed: 1 variant allele, 1 heterozygote.
Comment: This missense variant replaces asparagine with threonine at codon 519 of the RYR1 protein. Computational prediction suggests that this variant may have deleterious impact on protein structure and function (internally defined REVEL score threshold >= 0.7, PMID: 27666373). To our knowledge, functional studies have not been reported for this variant. This variant has not been reported in individuals affected with RYR1-related disorders in the literature. This variant has been identified in 1/251494 chromosomes in the general population by the Genome Aggregation Database (gnomAD). The available evidence is insufficient to determine the role of this variant in disease conclusively. Therefore, this variant is classified as a Variant of Uncertain Significance.

This study involves interpretation of variants in research participants for the purpose of population health screening. Participant phenotype was not available at the time of variant classification. Additional details can be found in publication PMID: 35346344, PMCID: PMC8962531

Blueprint Genetics
Classification: Uncertain significance. Last evaluated: 2019-11-13. Review status: criteria provided, single submitter. Criteria: ACMG Guidelines, 2015. Collection method: clinical testing. Allele origin: germline.

NM_000540.3(RYR1):c.1556A>C (p.Asn519Thr)

Genes: RYR1 (ryanodine receptor 1; plus strand), LOC129391106 (MPRA-validated peak3472 silencer; plus strand). Cytogenetic location: 19q13.2.
Variant type: single nucleotide variant.
Coding change: c.1556A>C on transcript NM_000540.3 (MANE Select); coding-DNA position 1556, A replaced by C.
Protein change: p.Asn519Thr; replaces asparagine 519 with threonine.
Molecular consequence: missense variant.
Genome position (GRCh38, 1-based): chr19:38,455,350, A>C. VCF-style: chr19-38455350-A-C. GRCh37 (hg19) VCF-style: chr19-38945990-A-C.
Other names: c.1556A>C, p.Asn519Thr (NM_001042723.2); short protein forms N519T.
Identifiers: ClinVar variation 3072690 (VCV003072690.2), dbSNP rs1337028636, ClinGen allele CA405689293.